The following is an entry in ClinVar:

ClinVar aggregate classification (germline): Likely benign (1 of 4 stars; one submission).

Conditions:
PHIP-related disorder. Also called: PHIP-related condition; PHIP-related disorders.

Submission:

PreventionGenetics, part of Exact Sciences
Classification: Likely benign for PHIP-related condition. Last evaluated: 2025-10-08. Review status: criteria provided, single submitter. Criteria: ACMG Guidelines, 2015. Collection method: clinical testing. Allele origin: germline.
Comment: This variant is classified as likely benign based on ACMG/AMP sequence variant interpretation guidelines (Richards et al. 2015 PMID: 25741868, with internal and published modifications).

NM_017934.7(PHIP):c.5416C>A (p.Arg1806=)

Genes: IRAK1BP1 (interleukin 1 receptor associated kinase 1 binding protein 1; plus strand), PHIP (PHIP subunit of CUL4-Ring ligase complex; minus strand). Cytogenetic location: 6q14.1.
Variant type: single nucleotide variant.
Coding change: c.5416C>A on transcript NM_017934.7 (MANE Select); coding-DNA position 5416, C replaced by A.
Protein change: p.Arg1806=; no amino-acid change (arginine 1806 retained).
Molecular consequence: synonymous variant.
Genome position (GRCh38, 1-based): chr6:78,940,743, G>T on the plus strand (C>A on the coding strand, the complement: PHIP is on the minus strand). VCF-style: chr6-78940743-G-T. GRCh37 (hg19) VCF-style: chr6-79650460-G-T.
Identifiers: ClinVar variation 4982307 (VCV004982307.1).